The following is an entry in ClinVar:

NM_001845.6(COL4A1):c.3326-13dup

Gene: COL4A1 (collagen type IV alpha 1 chain; minus strand). Cytogenetic location: 13q34.
Variant type: Duplication.
Coding change: c.3326-13dup on transcript NM_001845.6 (MANE Select); 13 bases into the intron before coding-DNA position 3326, one base duplicated (T; older notation c.3326-13dupT).
Molecular consequence: intron variant.
Genome position (GRCh38, 1-based): chr13:110,174,533, A duplicated on the plus strand (T on the coding strand, the reverse complement: COL4A1 is on the minus strand); the first of 7 consecutive A bases (chr13:110,174,533-110,174,539); duplicating any one gives the same sequence. VCF-style (leftmost placement, unchanged base first): chr13-110174532-G-GA. GRCh37 (hg19) VCF-style: chr13-110826879-G-GA.
Other names: p.?; c.3326-7dup (NM_001845.6); c.3326-7dupT (NM_001845.5).
Identifiers: ClinVar variation 311040 (VCV000311040.51), dbSNP rs139122216, ClinGen allele CA7047291.
Genomic context (GRCh38, chr13:110,174,532, plus strand): 5'-CCATCCAATCCTGGGAGGCCTTTGTCACCTTTTTCTCCAGGTAGCCCAGGACTTCCTAAA[G>GA]AAAAAAACAAAACACCAGAACATCCATAAGTTTGGGCTTTTCTTTGATTTCTTAGATTCC-3'

ClinVar aggregate classification (germline): Benign/Likely benign. Review status: criteria provided, multiple submitters, no conflicts (2 of 4 stars). 10 submissions from 10 submitters: Benign (4); Likely benign (5). 1 of the submissions does not count toward it. Last evaluated 2026-08-01.

Conditions:
COL4A1-related disorder. Also called: COL4A1-related disorders; COL4A1-related condition. Identifiers: MedGen CN376119, MONDO:0800461.
Autosomal dominant familial hematuria-retinal arteriolar tortuosity-contractures syndrome. Also called: Hereditary Angiopathy with Nephropathy, Aneurysms, and Muscle Cramps (HANAC) Syndrome; Angiopathy, hereditary, with nephropathy, aneurysms, and muscle cramps. Identifiers: Orphanet 73229, MedGen C2673195, MONDO:0012726, OMIM 611773.
Microangiopathy and leukoencephalopathy, pontine, autosomal dominant. Also called: Pontine autosomal dominant microangiopathy with leukoencephalopathy; DEMENTIA, HEREDITARY MULTI-INFARCT, SWEDISH TYPE. Identifiers: Orphanet 477749, MedGen C5231411, MONDO:0032814, OMIM 618564.
Retinal arterial tortuosity. Also called: Retinal arteries, tortuosity of; RETINAL HEMORRHAGE WITH VASCULAR TORTUOSITY. Identifiers: Orphanet 75326, MedGen C0423401, MONDO:0008373, OMIM 180000, HP:0000631.
Hemorrhage, intracerebral, susceptibility to (ICH). Also called: Stroke, hemorrhagic, susceptibility to. Identifiers: MedGen C3281105, MONDO:0100533, OMIM 614519.
Brain small vessel disease 1 with or without ocular anomalies (BSVD1). Also called: Brain small vessel disease with or without ocular anomalies; BRAIN SMALL VESSEL DISEASE WITH HEMORRHAGE; GOULD SYNDROME 1; PORENCEPHALY, TYPE 1, AUTOSOMAL DOMINANT. Identifiers: Orphanet 2940, Orphanet 36383, Orphanet 99810, MedGen C4755307, MONDO:0008289, OMIM 175780.

Submissions (10):

CeGaT Center for Human Genetics Tuebingen
Classification: Benign. Last evaluated: 2026-08-01. Review status: criteria provided, single submitter. Criteria: CeGaT Center For Human Genetics Tuebingen Variant Classification Criteria Version 2. Collection method: clinical testing. Allele origin: germline. Affected: yes. Observed: 32 variant alleles.
Comment: COL4A1: BP4, BS1, BS2

Labcorp Genetics (formerly Invitae), Labcorp
Classification: Benign. Last evaluated: 2026-01-30. Review status: criteria provided, single submitter. Criteria: Invitae Variant Classification Sherloc (09022015). Collection method: clinical testing. Allele origin: germline.

ARUP Laboratories, Molecular Genetics and Genomics, ARUP Laboratories
Classification: Likely benign. Last evaluated: 2025-04-18. Review status: criteria provided, single submitter. Criteria: ARUP Molecular Germline Variant Investigation Process 2024. Collection method: clinical testing. Allele origin: germline.

Blueprint Genetics
Classification: Likely benign. Last evaluated: 2024-11-26. Review status: criteria provided, single submitter. Criteria: ACMG Guidelines, 2015. Collection method: clinical testing. Allele origin: germline.

GeneDx
Classification: Likely benign. Last evaluated: 2024-05-28. Review status: criteria provided, single submitter. Criteria: GeneDx Variant Classification Process June 2021. Collection method: clinical testing. Allele origin: germline. Affected: yes.
Comment: See Variant Classification Assertion Criteria.

Fulgent Genetics
Classification: Likely benign for Brain small vessel disease 1 with or without ocular anomalies; Retinal arterial tortuosity; Autosomal dominant familial hematuria-retinal arteriolar tortuosity-contractures syndrome; Hemorrhage, intracerebral, susceptibility to; Microangiopathy and leukoencephalopathy, pontine, autosomal dominant. Last evaluated: 2021-08-09. Review status: criteria provided, single submitter. Criteria: ACMG Guidelines, 2015. Collection method: clinical testing. Allele origin: unknown.

Athena Diagnostics
Classification: Benign. Last evaluated: 2020-11-16. Review status: criteria provided, single submitter. Criteria: Athena Diagnostics criteria. Collection method: clinical testing. Allele origin: unknown.

Mayo Clinic Laboratories, Mayo Clinic
Classification: Benign. Last evaluated: 2019-08-23. Review status: criteria provided, single submitter. Criteria: ACMG Guidelines, 2015. Collection method: clinical testing. Allele origin: germline. Observed: 5 variant alleles.

Center for Pediatric Genomic Medicine, Children's Mercy Hospital and Clinics
Classification: Likely benign. Last evaluated: 2017-08-10. Review status: criteria provided, single submitter. Criteria: ACMG Guidelines, 2015. Collection method: clinical testing. Allele origin: germline.

PreventionGenetics, part of Exact Sciences
Classification: Benign for COL4A1-related condition. Last evaluated: 2022-02-08. Review status: no assertion criteria provided. Collection method: clinical testing. Allele origin: germline. Not counted in ClinVar's aggregate classification.
Comment: This variant is classified as benign based on ACMG/AMP sequence variant interpretation guidelines (Richards et al. 2015 PMID: 25741868, with internal and published modifications).